The following is an entry in ClinVar:

ClinVar aggregate classification (germline): Pathogenic (1 of 4 stars; one submission).

Conditions:
USH2A-related disorder. Also called: USH2A-related condition; USH2A-related disorders. Identifiers: MedGen CN239332.

Submission:

Myriad Genetics, Inc.
Classification: Pathogenic for USH2A-related disorder. Last evaluated: 2024-04-28. Review status: criteria provided, single submitter. Criteria: Myriad Autosomal Dominant, Autosomal Recessive and X-Linked Classification Criteria (2023). Collection method: clinical testing. Allele origin: unknown.
Comment: NM_206933.2(USH2A):c.4036G>T(G1346*) is expected to be pathogenic in the context of USH2A-related disorders. This variant is predicted to lead to an abnormal or absent protein product due to the creation of a premature termination codon in USH2A, a gene where loss-of-function variants are known to be pathogenic. Please note: this variant was assessed in the context of healthy population screening.

NM_206933.4(USH2A):c.4036G>T (p.Gly1346Ter)

Genes: USH2A (usherin; minus strand), USH2A-AS1 (USH2A antisense RNA 1; plus strand). Cytogenetic location: 1q41.
Variant type: single nucleotide variant.
Coding change: c.4036G>T on transcript NM_206933.4 (MANE Select); coding-DNA position 4036, G replaced by T.
Protein change: p.Gly1346Ter; replaces glycine 1346 with a stop codon.
Molecular consequence: nonsense.
Genome position (GRCh38, 1-based): chr1:216,198,360, C>A on the plus strand (G>T on the coding strand, the complement: USH2A is on the minus strand). VCF-style: chr1-216198360-C-A. GRCh37 (hg19) VCF-style: chr1-216371702-C-A.
Other names: c.4036G>T, p.Gly1346Ter (NM_007123.6); short protein forms G1346*.
Identifiers: ClinVar variation 5012967 (VCV005012967.1).